The following is an entry in ClinVar:

NM_002693.3(POLG):c.1298C>T (p.Ser433Phe)

Gene: POLG (DNA polymerase gamma, catalytic subunit; minus strand). Cytogenetic location: 15q26.1.
Variant type: single nucleotide variant.
Coding change: c.1298C>T on transcript NM_002693.3 (MANE Select); coding-DNA position 1298, C replaced by T.
Protein change: p.Ser433Phe; replaces serine 433 with phenylalanine.
Molecular consequence: missense variant.
Genome position (GRCh38, 1-based): chr15:89,327,302, G>A on the plus strand (C>T on the coding strand, the complement: POLG is on the minus strand). VCF-style: chr15-89327302-G-A. GRCh37 (hg19) VCF-style: chr15-89870533-G-A.
Other names: c.1298C>T, p.Ser433Phe (NM_001126131.2); short protein forms S433F.
Identifiers: ClinVar variation 1909525 (VCV001909525.2), dbSNP rs771921569, ClinGen allele CA7724881.

ClinVar aggregate classification (germline): Uncertain significance (1 of 4 stars; one submission).

Conditions:
Progressive sclerosing poliodystrophy (MTDPS4A). Also called: Alpers-Huttenlocher Syndrome; Mitochondrial DNA Depletion Syndrome 4A; ALPERS PROGRESSIVE INFANTILE POLIODYSTROPHY; NEURONAL DEGENERATION OF CHILDHOOD WITH LIVER DISEASE, PROGRESSIVE; Alpers-Huttenlocher Syndrome (AHS); Alpers Syndrome. Identifiers: Orphanet 726, MedGen C0205710, MONDO:0008758, OMIM 203700.

Allele frequency attached by ClinVar (database versions not stated): gnomAD exomes below 0.00001; ExAC 0.00001.
gnomAD v4.1: 2 of 1,614,108 alleles (0.00012%); highest among the groups gnomAD compares: Non-Finnish European, 0.00017%; no homozygotes.

Submission:

Labcorp Genetics (formerly Invitae), Labcorp
Classification: Uncertain significance for Progressive sclerosing poliodystrophy. Last evaluated: 2022-07-21. Review status: criteria provided, single submitter. Criteria: Invitae Variant Classification Sherloc (09022015). Collection method: clinical testing. Allele origin: germline.
Comment: This sequence change replaces serine, which is neutral and polar, with phenylalanine, which is neutral and non-polar, at codon 433 of the POLG protein (p.Ser433Phe). This variant is present in population databases (rs771921569, gnomAD 0.0009%). This variant has not been reported in the literature in individuals affected with POLG-related conditions. Algorithms developed to predict the effect of missense changes on protein structure and function are either unavailable or do not agree on the potential impact of this missense change (SIFT: "Tolerated"; PolyPhen-2: "Possibly Damaging"; Align-GVGD: "Class C0"). In summary, the available evidence is currently insufficient to determine the role of this variant in disease. Therefore, it has been classified as a Variant of Uncertain Significance.